The following is an entry in ClinVar:

ClinVar aggregate classification (germline): Uncertain significance. Review status: criteria provided, multiple submitters, no conflicts (2 of 4 stars). 4 submissions from 4 submitters: Uncertain significance (4). Last evaluated 2024-12-07.

Conditions:
Hereditary cancer-predisposing syndrome. Also called: Neoplastic Syndromes, Hereditary; Hereditary neoplastic syndrome; Tumor predisposition; Hereditary Cancer Syndrome. Identifiers: Orphanet 140162, MedGen C0027672, MeSH D009386, MONDO:0015356.
Ataxia-telangiectasia syndrome (AT). Also called: Ataxia telangiectasia (A-T); Ataxia-telangiectasia, complementation group D; Cerebello-oculocutaneous telangiectasia; Immunodeficiency with ataxia telangiectasia; LOUIS-BAR SYNDROME; AT, COMPLEMENTATION GROUP C. Identifiers: Orphanet 100, MedGen C0004135, MONDO:0008840, OMIM 208900.

Allele frequency attached by ClinVar (database versions not stated): TOPMed below 0.00001; gnomAD 0.00001.
gnomAD v4.1: 1 of 1,613,818 alleles (0.000062%); highest among the groups gnomAD compares: African/African-American, 0.0013%; no homozygotes.

Submissions (4):

Ambry Genetics
Classification: Uncertain significance for Hereditary cancer-predisposing syndrome. Last evaluated: 2024-12-07. Review status: criteria provided, single submitter. Criteria: Ambry Variant Classification Scheme 2023. Collection method: clinical testing. Allele origin: germline.
Comment: The p.D1626Y variant (also known as c.4876G>T), located in coding exon 31 of the ATM gene, results from a G to T substitution at nucleotide position 4876. The aspartic acid at codon 1626 is replaced by tyrosine, an amino acid with highly dissimilar properties. This amino acid position is conserved. In addition, the in silico prediction for this alteration is inconclusive. Based on the available evidence, the clinical significance of this variant remains unclear.

GeneDx
Classification: Uncertain significance. Last evaluated: 2023-10-26. Review status: criteria provided, single submitter. Criteria: GeneDx Variant Classification Process June 2021. Collection method: clinical testing. Allele origin: germline. Affected: yes.
Comment: Not observed at significant frequency in large population cohorts (gnomAD); In silico analysis supports that this missense variant has a deleterious effect on protein structure/function; Has not been previously published as pathogenic or benign to our knowledge

Labcorp Genetics (formerly Invitae), Labcorp
Classification: Uncertain significance for Ataxia-telangiectasia syndrome. Last evaluated: 2022-08-21. Review status: criteria provided, single submitter. Criteria: Invitae Variant Classification Sherloc (09022015). Collection method: clinical testing. Allele origin: germline.
Comment: This sequence change replaces aspartic acid, which is acidic and polar, with tyrosine, which is neutral and polar, at codon 1626 of the ATM protein (p.Asp1626Tyr). This variant is present in population databases (no rsID available, gnomAD 0.01%). This variant has not been reported in the literature in individuals affected with ATM-related conditions. Advanced modeling of protein sequence and biophysical properties (such as structural, functional, and spatial information, amino acid conservation, physicochemical variation, residue mobility, and thermodynamic stability) performed at Invitae indicates that this missense variant is not expected to disrupt ATM protein function. In summary, the available evidence is currently insufficient to determine the role of this variant in disease. Therefore, it has been classified as a Variant of Uncertain Significance.

Blueprint Genetics
Classification: Uncertain significance. Last evaluated: 2020-07-08. Review status: criteria provided, single submitter. Criteria: ACMG Guidelines, 2015. Collection method: clinical testing. Allele origin: germline.

NM_000051.4(ATM):c.4876G>T (p.Asp1626Tyr)

Gene: ATM (ATM serine/threonine kinase; plus strand). Cytogenetic location: 11q22.3.
Variant type: single nucleotide variant.
Coding change: c.4876G>T on transcript NM_000051.4 (MANE Select); coding-DNA position 4876, G replaced by T.
Protein change: p.Asp1626Tyr; replaces aspartic acid 1626 with tyrosine.
Molecular consequence: missense variant.
Genome position (GRCh38, 1-based): chr11:108,295,026, G>T. VCF-style: chr11-108295026-G-T. GRCh37 (hg19) VCF-style: chr11-108165753-G-T.
Other names: c.4876G>T, p.Asp1626Tyr (NM_001351834.2); short protein forms D1626Y.
Identifiers: ClinVar variation 2087977 (VCV002087977.4), dbSNP rs990760230, ClinGen allele CA228380830.